The following is an entry in ClinVar:

ClinVar aggregate classification (germline): Pathogenic (1 of 4 stars; one submission).

Conditions:
Hereditary factor VIII deficiency disease (HEMA). Also called: AUTOSOMAL HEMOPHILIA A; Hemophilia A; HEMOPHILIA, CLASSIC; Hemophilia A, congenital; HEM A; Factor 8 deficiency, congenital. Identifiers: Orphanet 98878, MedGen C0019069, MONDO:0010602, OMIM 306700.

Submission:

ARUP Laboratories, Molecular Genetics and Genomics, ARUP Laboratories
Classification: Pathogenic for Hereditary factor VIII deficiency disease. Last evaluated: 2019-04-25. Review status: criteria provided, single submitter. Criteria: ARUP Molecular Germline Variant Investigation Process. Collection method: clinical testing. Allele origin: germline.
Comment: The F8 c.5301C>A; p.Tyr1767Ter variant is reported in the literature in at least one individual affected with severe hemophilia A (Bogdanova 2005). This variant is also absent from general population databases (Exome Variant Server, Genome Aggregation Database), indicating it is not a common polymorphism. This variant induces an early termination codon and is predicted to result in a truncated protein or mRNA subject to nonsense-mediated decay. Based on available information, this variant is considered to be pathogenic. References: Bogdanova N et al. Spectrum of molecular defects and mutation detection rate in patients with severe hemophilia A. Hum Mutat. 2005 Sep;26(3):249-54.

NM_000132.4(F8):c.5301C>A (p.Tyr1767Ter)

Gene: F8 (coagulation factor VIII; minus strand). Cytogenetic location: Xq28.
Variant type: single nucleotide variant.
Coding change: c.5301C>A on transcript NM_000132.4 (MANE Select); coding-DNA position 5301, C replaced by A.
Protein change: p.Tyr1767Ter; replaces tyrosine 1767 with a stop codon.
Molecular consequence: nonsense.
Genome position (GRCh38, 1-based): chrX:154,906,492, G>T on the plus strand (C>A on the coding strand, the complement: F8 is on the minus strand). VCF-style: chrX-154906492-G-T. GRCh37 (hg19) VCF-style: chrX-154134767-G-T.
Other names: short protein forms Y1767*.
Identifiers: ClinVar variation 811964 (VCV000811964.8), dbSNP rs782763245, ClinGen allele CA414910865.
Genomic context (GRCh38, chrX:154,906,492, plus strand): 5'-TTCAACTTCTGCTCTTATATATGGCCCCAGGAGTCCCAAATGTTCATTTAGTTCTCCACG[G>T]TATAAGGGCTGAGTAAAGGAGCCATCAGTAAATTCCTGGAAAACAACTTTCTTGAACTGA-3'